The following is an entry in ClinVar:

ClinVar aggregate classification (germline): Uncertain significance. Review status: criteria provided, multiple submitters, no conflicts (2 of 4 stars). 2 submissions from 2 submitters: Uncertain significance (2). Last evaluated 2024-07-23.

Conditions:
X-linked Alport syndrome (ATS1). Also called: COL4A5-Related Nephropathy; NEPHROPATHY AND DEAFNESS, X-LINKED. Identifiers: Orphanet 63, Orphanet 88917, MedGen C4746986, MONDO:0010520, OMIM 301050.

Submissions (2):

GeneDx
Classification: Uncertain significance. Last evaluated: 2024-07-23. Review status: criteria provided, single submitter. Criteria: GeneDx Variant Classification Process June 2021. Collection method: clinical testing. Allele origin: germline. Affected: yes.
Comment: Not observed at significant frequency in large population cohorts (gnomAD); In silico analysis supports a deleterious effect on splicing; Has not been previously published as pathogenic or benign to our knowledge

Fulgent Genetics
Classification: Uncertain significance for X-linked Alport syndrome. Last evaluated: 2024-01-30. Review status: criteria provided, single submitter. Criteria: ACMG Guidelines, 2015. Collection method: clinical testing. Allele origin: germline.

NM_033380.3(COL4A5):c.4528+6A>G

Gene: COL4A5 (collagen type IV alpha 5 chain; plus strand). Cytogenetic location: Xq22.3.
Variant type: single nucleotide variant.
Coding change: c.4528+6A>G on transcript NM_033380.3 (MANE Select); 6 bases into the intron after coding-DNA position 4528, A replaced by G.
Molecular consequence: intron variant.
Genome position (GRCh38, 1-based): chrX:108,687,700, A>G. VCF-style: chrX-108687700-A-G. GRCh37 (hg19) VCF-style: chrX-107930930-A-G.
Other names: c.4510+6A>G (NM_000495.5).
Identifiers: ClinVar variation 3597993 (VCV003597993.2).